The following is an entry in ClinVar:

NM_004733.4(SLC33A1):c.1579T>G (p.Phe527Val)

Gene: SLC33A1 (solute carrier family 33 member 1; minus strand). Cytogenetic location: 3q25.31.
Variant type: single nucleotide variant.
Coding change: c.1579T>G on transcript NM_004733.4 (MANE Select); coding-DNA position 1579, T replaced by G.
Protein change: p.Phe527Val; replaces phenylalanine 527 with valine.
Molecular consequence: missense variant.
Genome position (GRCh38, 1-based): chr3:155,828,281, A>C on the plus strand (T>G on the coding strand, the complement: SLC33A1 is on the minus strand). VCF-style: chr3-155828281-A-C. GRCh37 (hg19) VCF-style: chr3-155546070-A-C.
Other names: c.1579T>G, p.Phe527Val (NM_001190992.2); c.1273T>G, p.Phe425Val (NM_001363883.1); short protein forms F425V, F527V.
Identifiers: ClinVar variation 1207557 (VCV001207557.8), dbSNP rs200914930, ClinGen allele CA2677207.

ClinVar aggregate classification (germline): Conflicting classifications of pathogenicity. Review status: criteria provided, conflicting classifications (1 of 4 stars). 2 submissions from 2 submitters: Uncertain significance (1); Likely benign (1). Last evaluated 2024-10-22.

Conditions:
Spastic paraplegia. Identifiers: MedGen C0037772, HP:0001258.

Allele frequency attached by ClinVar (database versions not stated): gnomAD exomes 0.00005 and 0.00013; gnomAD 0.00006 and 0.00009; TOPMed 0.00006; ExAC 0.00011; 1000 Genomes Project 30x 0.00094; 1000 Genomes Project 0.00100.
gnomAD v4.1: 91 of 1,611,686 alleles (0.0056%); highest among the groups gnomAD compares: East Asian, 0.2%; no homozygotes.

Submissions (2):

Labcorp Genetics (formerly Invitae), Labcorp
Classification: Uncertain significance for Spastic paraplegia. Last evaluated: 2024-10-22. Review status: criteria provided, single submitter. Criteria: Invitae Variant Classification Sherloc (09022015). Collection method: clinical testing. Allele origin: germline.
Comment: This sequence change replaces phenylalanine, which is neutral and non-polar, with valine, which is neutral and non-polar, at codon 527 of the SLC33A1 protein (p.Phe527Val). This variant is present in population databases (rs200914930, gnomAD 0.2%). This variant has not been reported in the literature in individuals affected with SLC33A1-related conditions. ClinVar contains an entry for this variant (Variation ID: 1207557). Invitae Evidence Modeling of protein sequence and biophysical properties (such as structural, functional, and spatial information, amino acid conservation, physicochemical variation, residue mobility, and thermodynamic stability) indicates that this missense variant is not expected to disrupt SLC33A1 protein function with a negative predictive value of 80%. In summary, the available evidence is currently insufficient to determine the role of this variant in disease. Therefore, it has been classified as a Variant of Uncertain Significance.

GeneDx
Classification: Likely benign. Last evaluated: 2020-12-08. Review status: criteria provided, single submitter. Criteria: GeneDx Variant Classification Process June 2021. Collection method: clinical testing. Allele origin: germline. Affected: yes.